The following is an entry in ClinVar:

ClinVar aggregate classification (germline): Uncertain significance (1 of 4 stars; one submission).

Conditions:
Hereditary cancer-predisposing syndrome. Also called: Hereditary Cancer Syndrome; Hereditary neoplastic syndrome; Neoplastic Syndromes, Hereditary; Tumor predisposition. Identifiers: Orphanet 140162, MedGen C0027672, MeSH D009386, MONDO:0015356.

Allele frequency attached by ClinVar (database versions not stated): gnomAD exomes below 0.00001.

Submission:

Ambry Genetics
Classification: Uncertain significance for Hereditary cancer-predisposing syndrome. Last evaluated: 2020-12-11. Review status: criteria provided, single submitter. Criteria: Ambry Variant Classification Scheme 2023. Collection method: clinical testing. Allele origin: germline.
Comment: The p.E390Q variant (also known as c.1168G>C), located in coding exon 10 of the NBN gene, results from a G to C substitution at nucleotide position 1168. The glutamic acid at codon 390 is replaced by glutamine, an amino acid with highly similar properties. This amino acid position is well conserved in available vertebrate species. In addition, this alteration is predicted to be tolerated by in silico analysis. Since supporting evidence is limited at this time, the clinical significance of this alteration remains unclear.

NM_002485.5(NBN):c.1168G>C (p.Glu390Gln)

Gene: NBN (nibrin; minus strand). Cytogenetic location: 8q21.3.
Variant type: single nucleotide variant.
Coding change: c.1168G>C on transcript NM_002485.5 (MANE Select); coding-DNA position 1168, G replaced by C.
Protein change: p.Glu390Gln; replaces glutamic acid 390 with glutamine.
Molecular consequence: missense variant.
Genome position (GRCh38, 1-based): chr8:89,955,512, C>G on the plus strand (G>C on the coding strand, the complement: NBN is on the minus strand). VCF-style: chr8-89955512-C-G. GRCh37 (hg19) VCF-style: chr8-90967740-C-G.
Other names: c.922G>C, p.Glu308Gln (NM_001024688.3); short protein forms E308Q, E390Q.
Identifiers: ClinVar variation 1738811 (VCV001738811.2), dbSNP rs2129721628, ClinGen allele CA371656444.